The following is an entry in ClinVar:

ClinVar aggregate classification (germline): Pathogenic (1 of 4 stars; one submission).

Conditions:
Methylmalonic aciduria and homocystinuria type cblD (MAHCD). Also called: METHYLMALONIC ACIDEMIA, cblH TYPE; Methylmalonic aciduria with homocystinuria cblD type. Identifiers: Orphanet 622, Orphanet 79283, MedGen C1848552, MONDO:0010185, OMIM 277410.

Submission:

Labcorp Genetics (formerly Invitae), Labcorp
Classification: Pathogenic for Methylmalonic aciduria and homocystinuria type cblD. Last evaluated: 2022-03-28. Review status: criteria provided, single submitter. Criteria: Invitae Variant Classification Sherloc (09022015). Collection method: clinical testing. Allele origin: germline.
Comment: For these reasons, this variant has been classified as Pathogenic. This variant has not been reported in the literature in individuals affected with MMADHC-related conditions. This variant is not present in population databases (gnomAD no frequency). This sequence change creates a premature translational stop signal (p.Gln68*) in the MMADHC gene. It is expected to result in an absent or disrupted protein product. Loss-of-function variants in MMADHC are known to be pathogenic (PMID: 18385497).

Literature cited by the submitters: PubMed 18385497.

NM_015702.3(MMADHC):c.202C>T (p.Gln68Ter)

Gene: MMADHC (metabolism of cobalamin associated D; minus strand). Cytogenetic location: 2q23.2.
Variant type: single nucleotide variant.
Coding change: c.202C>T on transcript NM_015702.3 (MANE Select); coding-DNA position 202, C replaced by T.
Protein change: p.Gln68Ter; replaces glutamine 68 with a stop codon.
Molecular consequence: nonsense.
Genome position (GRCh38, 1-based): chr2:149,579,601, G>A on the plus strand (C>T on the coding strand, the complement: MMADHC is on the minus strand). VCF-style: chr2-149579601-G-A. GRCh37 (hg19) VCF-style: chr2-150436115-G-A.
Other names: short protein forms Q68*.
Identifiers: ClinVar variation 1963718 (VCV001963718.8), dbSNP rs2467645024, ClinGen allele CA348870854.